The following is an entry in ClinVar:

ClinVar aggregate classification (germline): Uncertain significance (1 of 4 stars; one submission).

Conditions:
Neurodevelopmental disorder with or without early-onset generalized epilepsy. Identifiers: MedGen C5436914, MONDO:0030930, OMIM 619157.

gnomAD v4.1: 1 of 1,610,070 alleles (0.000062%); highest among the groups gnomAD compares: Non-Finnish European, 0.000085%; no homozygotes.

Submission:

Victorian Clinical Genetics Services, Murdoch Childrens Research Institute
Classification: Uncertain significance for Neurodevelopmental disorder with or without early-onset generalized epilepsy. Last evaluated: 2024-10-10. Review status: criteria provided, single submitter. Criteria: ACMG Guidelines, 2015. Collection method: clinical testing. Allele origin: germline. Inheritance: Autosomal dominant inheritance. Affected: yes.
Comment: Based on the classification scheme VCGS_Germline_v1.3.5, this variant is classified as VUS-3B. Following criteria are met: 0102 - Loss of function is a known mechanism of disease in this gene and is associated with neurodevelopmental disorder with or without early-onset generalised epilepsy (MIM#619157). (I) 0107 - This gene is associated with autosomal dominant disease. (I) 0200 - Variant is predicted to result in a missense amino acid change from leucine to serine. (I) 0251 - This variant is heterozygous. (I) 0302 - Variant is present in gnomAD (v4) <0.001 for a dominant condition (1 heterozygote, 0 homozygotes). (SP) 0501 - Missense variant consistently predicted to be damaging by multiple in silico tools or highly conserved with a major amino acid change. (SP) 0604 - Variant is not located in an established domain, motif, hotspot or informative constraint region. (I) 0705 - No comparable missense variants have previous evidence for pathogenicity. (I) 0807 - This variant has no previous evidence of pathogenicity. (I) 0905 - No published segregation evidence has been identified for this variant. (I) 1007 - No published functional evidence has been identified for this variant. (I) 1208 - Inheritance information for this variant is not currently available in this individual. (I) Legend: (SP) - Supporting pathogenic, (I) - Information, (SB) - Supporting benign

NM_001385012.1(NBEA):c.4688T>C (p.Leu1563Ser)

Gene: NBEA (neurobeachin; plus strand). Cytogenetic location: 13q13.3.
Variant type: single nucleotide variant.
Coding change: c.4688T>C on transcript NM_001385012.1 (MANE Select); coding-DNA position 4688, T replaced by C.
Protein change: p.Leu1563Ser; replaces leucine 1563 with serine.
Molecular consequence: missense variant.
Genome position (GRCh38, 1-based): chr13:35,182,385, T>C. VCF-style: chr13-35182385-T-C. GRCh37 (hg19) VCF-style: chr13-35756522-T-C.
Other names: c.4679T>C, p.Leu1560Ser (NM_001379245.1); c.4688T>C, p.Leu1563Ser (NM_015678.5); short protein forms L1560S, L1563S.
Identifiers: ClinVar variation 3377246 (VCV003377246.1).